The following is an entry in ClinVar:

NM_020971.3(SPTBN4):c.6798_6815dup (p.Ser2272_Ala2273insProGluArgGlnGluSer)

Gene: SPTBN4 (spectrin beta, non-erythrocytic 4; plus strand). Cytogenetic location: 19q13.2.
Variant type: Duplication.
Coding change: c.6798_6815dup on transcript NM_020971.3 (MANE Select); coding-DNA positions 6798 to 6815, 18 bases duplicated (GCCGGAGCGGCAGGAGTC).
Protein change: p.Ser2272_Ala2273insProGluArgGlnGluSer.
Genome position (GRCh38, 1-based): chr19:40,568,124-40,568,141, GCCGGAGCGGCAGGAGTC duplicated. VCF-style (leftmost placement, unchanged base first): chr19-40568123-G-GGCCGGAGCGGCAGGAGTC. GRCh37 (hg19) VCF-style: chr19-41074029-G-GGCCGGAGCGGCAGGAGTC.
Identifiers: ClinVar variation 2206495 (VCV002206495.3), dbSNP rs1343835417, ClinGen allele CA633467047.

ClinVar aggregate classification (germline): Uncertain significance (1 of 4 stars; one submission).

Conditions:
Inborn genetic diseases. Identifiers: MedGen C0950123, MeSH D030342.

Allele frequency attached by ClinVar (database versions not stated): gnomAD 0.00003; gnomAD exomes 0.00001.

Submission:

Ambry Genetics
Classification: Uncertain significance for Inborn genetic diseases. Last evaluated: 2026-09-01. Review status: criteria provided, single submitter. Criteria: Ambry Variant Classification Scheme 2023. Collection method: clinical testing. Allele origin: germline.
Comment: The c.6798_6815dupGCCGGAGCGGCAGGAGTC (p.P2267_S2272dup) alteration is located in exon 31 (coding exon 30) of the SPTBN4 gene. The alteration consists of an in-frame duplication of 18 nucleotides from position 6798 to 6815, resulting in the duplication of 6 residues. Based on data from gnomAD, the c.6798_6815dupGCCGGAGCGGCAGGAGTC allele has an overall frequency of 0.007% (14/211652) total alleles studied. The highest observed frequency was 0.051% (14/27534) of Latino alleles. This amino acid position is not well conserved in available vertebrate species. Based on insufficient or conflicting evidence, the clinical significance of this alteration remains unclear.